The following is an entry in ClinVar:

NM_003664.5(AP3B1):c.2113G>A (p.Glu705Lys)

Gene: AP3B1 (adaptor related protein complex 3 subunit beta 1; minus strand). Cytogenetic location: 5q14.1.
Variant type: single nucleotide variant.
Coding change: c.2113G>A on transcript NM_003664.5 (MANE Select); coding-DNA position 2113, G replaced by A.
Protein change: p.Glu705Lys; replaces glutamic acid 705 with lysine.
Molecular consequence: missense variant.
Genome position (GRCh38, 1-based): chr5:78,113,888, C>T on the plus strand (G>A on the coding strand, the complement: AP3B1 is on the minus strand). VCF-style: chr5-78113888-C-T. GRCh37 (hg19) VCF-style: chr5-77409712-C-T.
Other names: c.2113G>A, p.Glu705Lys (NM_001410752.1); c.1966G>A, p.Glu656Lys (NM_001271769.2); short protein forms E656K, E705K.
Identifiers: ClinVar variation 2386818 (VCV002386818.3), dbSNP rs907819185, ClinGen allele CA121082618.

ClinVar aggregate classification (germline): Uncertain significance. Review status: criteria provided, multiple submitters, no conflicts (2 of 4 stars). 2 submissions from 2 submitters: Uncertain significance (2). Last evaluated 2025-12-15.

Conditions:
Inborn genetic diseases. Identifiers: MedGen C0950123, MeSH D030342.
Hermansky-Pudlak syndrome 2 (HPS2). Also called: Platelet defects and oculocutaneous albinism. Identifiers: Orphanet 183678, Orphanet 79430, MedGen C1842362, MONDO:0011997, OMIM 608233.

Allele frequency attached by ClinVar (database versions not stated): gnomAD exomes 0.00001; gnomAD 0.00004; TOPMed 0.00004.
gnomAD v4.1: 26 of 1,614,092 alleles (0.0016%); highest among the groups gnomAD compares: South Asian, 0.0099%; no homozygotes.

Submissions (2):

Labcorp Genetics (formerly Invitae), Labcorp
Classification: Uncertain significance for Hermansky-Pudlak syndrome 2. Last evaluated: 2025-12-15. Review status: criteria provided, single submitter. Criteria: Invitae Variant Classification Sherloc (09022015). Collection method: clinical testing. Allele origin: germline.
Comment: This sequence change replaces glutamic acid, which is acidic and polar, with lysine, which is basic and polar, at codon 705 of the AP3B1 protein (p.Glu705Lys). This variant is present in population databases (no rsID available, gnomAD 0.006%). This variant has not been reported in the literature in individuals affected with AP3B1-related conditions. ClinVar contains an entry for this variant (Variation ID: 2386818). An algorithm developed to predict the effect of missense changes on protein structure and function (PolyPhen-2) suggests that this variant is likely to be tolerated. In summary, the available evidence is currently insufficient to determine the role of this variant in disease. Therefore, it has been classified as a Variant of Uncertain Significance.

Ambry Genetics
Classification: Uncertain significance for Inborn genetic diseases. Last evaluated: 2022-05-26. Review status: criteria provided, single submitter. Criteria: Ambry Variant Classification Scheme 2023. Collection method: clinical testing. Allele origin: germline.